The following is an entry in ClinVar:

ClinVar aggregate classification (germline): Uncertain significance. Review status: criteria provided, multiple submitters, no conflicts (2 of 4 stars). 2 submissions from 2 submitters: Uncertain significance (2). Last evaluated 2025-11-26.

Conditions:
Catecholaminergic polymorphic ventricular tachycardia 1. Also called: VENTRICULAR TACHYCARDIA, CATECHOLAMINERGIC POLYMORPHIC, 1, WITH OR WITHOUT ATRIAL DYSFUNCTION AND/OR DILATED CARDIOMYOPATHY; VENTRICULAR TACHYCARDIA, STRESS-INDUCED POLYMORPHIC 1; RYR2-Related Catecholaminergic Polymorphic Ventricular Tachycardia. Identifiers: Orphanet 3286, MedGen C1631597, MONDO:0011484, OMIM 604772.
Cardiovascular phenotype. Identifiers: MedGen CN230736.

Allele frequency attached by ClinVar (database versions not stated): gnomAD 0.00001; gnomAD exomes 0.00001; TOPMed 0.00002.
gnomAD v4.1: 13 of 1,581,776 alleles (0.00082%); highest among the groups gnomAD compares: Middle Eastern, 0.017%; no homozygotes.

Submissions (2):

Ambry Genetics
Classification: Uncertain significance for Cardiovascular phenotype. Last evaluated: 2025-11-26. Review status: criteria provided, single submitter. Criteria: Ambry Variant Classification Scheme 2023. Collection method: clinical testing. Allele origin: germline.

Labcorp Genetics (formerly Invitae), Labcorp
Classification: Uncertain significance for Catecholaminergic polymorphic ventricular tachycardia 1. Last evaluated: 2022-04-03. Review status: criteria provided, single submitter. Criteria: Invitae Variant Classification Sherloc (09022015). Collection method: clinical testing. Allele origin: germline.
Comment: In summary, the available evidence is currently insufficient to determine the role of this variant in disease. Therefore, it has been classified as a Variant of Uncertain Significance. Algorithms developed to predict the effect of missense changes on protein structure and function are either unavailable or do not agree on the potential impact of this missense change (SIFT: "Tolerated"; PolyPhen-2: "Probably Damaging"; Align-GVGD: "Class C0"). ClinVar contains an entry for this variant (Variation ID: 851620). This variant has not been reported in the literature in individuals affected with TRDN-related conditions. This variant is present in population databases (no rsID available, gnomAD 0.007%). This sequence change replaces valine, which is neutral and non-polar, with isoleucine, which is neutral and non-polar, at codon 692 of the TRDN protein (p.Val692Ile).

NM_006073.4(TRDN):c.2074G>A (p.Val692Ile)

Gene: TRDN (triadin; minus strand). Cytogenetic location: 6q22.31.
Variant type: single nucleotide variant.
Coding change: c.2074G>A on transcript NM_006073.4 (MANE Select); coding-DNA position 2074, G replaced by A.
Protein change: p.Val692Ile; replaces valine 692 with isoleucine.
Molecular consequence: missense variant.
Genome position (GRCh38, 1-based): chr6:123,218,717, C>T on the plus strand (G>A on the coding strand, the complement: TRDN is on the minus strand). VCF-style: chr6-123218717-C-T. GRCh37 (hg19) VCF-style: chr6-123539862-C-T.
Other names: short protein forms V692I.
Identifiers: ClinVar variation 851620 (VCV000851620.11), dbSNP rs1208049678, ClinGen allele CA365564685.